The following is an entry in ClinVar:

NM_003001.5(SDHC):c.32G>C (p.Arg11Pro)

Gene: SDHC (succinate dehydrogenase complex subunit C; plus strand). Cytogenetic location: 1q23.3.
Variant type: single nucleotide variant.
Coding change: c.32G>C on transcript NM_003001.5 (MANE Select); coding-DNA position 32, G replaced by C.
Protein change: p.Arg11Pro; replaces arginine 11 with proline.
Molecular consequence: missense variant. On other transcripts: 5 prime UTR variant (2), non-coding transcript variant (1), intron variant (4).
Genome position (GRCh38, 1-based): chr1:161,323,625, G>C. VCF-style: chr1-161323625-G-C. GRCh37 (hg19) VCF-style: chr1-161293415-G-C.
Other names: c.32G>C, p.Arg11Pro (NM_001035511.3, NM_001035512.3, NM_001278172.3 and 2 more transcripts); c.-80G>C (NM_001407119.1); c.-198G>C (NM_001407120.1); c.21-4771G>C (NM_001407116.1, NM_001407121.1, NM_001407117.1); c.20+9200G>C (NM_001035513.3); short protein forms R11P.
Identifiers: ClinVar variation 5029315 (VCV005029315.1).

ClinVar aggregate classification (germline): Uncertain significance (1 of 4 stars; one submission).

Conditions:
Hereditary cancer-predisposing syndrome. Also called: Neoplastic Syndromes, Hereditary; Tumor predisposition; Hereditary neoplastic syndrome; Hereditary Cancer Syndrome. Identifiers: Orphanet 140162, MedGen C0027672, MeSH D009386, MONDO:0015356.

Submission:

Ambry Genetics
Classification: Uncertain significance for Hereditary cancer-predisposing syndrome. Last evaluated: 2026-07-06. Review status: criteria provided, single submitter. Criteria: Ambry Variant Classification Scheme 2023. Collection method: clinical testing. Allele origin: germline.
Comment: The p.R11P variant (also known as c.32G>C), located in coding exon 2 of the SDHC gene, results from a G to C substitution at nucleotide position 32. The arginine at codon 11 is replaced by proline, an amino acid with dissimilar properties. This amino acid position is conserved. In addition, this alteration is predicted to be deleterious by in silico analysis. Based on the available evidence, the clinical significance of this variant remains unclear.